The following is an entry in ClinVar:

NM_000222.3(KIT):c.1357T>G (p.Ser453Ala)

Gene: KIT (KIT proto-oncogene, receptor tyrosine kinase; plus strand). Cytogenetic location: 4q12.
Variant type: single nucleotide variant.
Coding change: c.1357T>G on transcript NM_000222.3 (MANE Select); coding-DNA position 1357, T replaced by G.
Protein change: p.Ser453Ala; replaces serine 453 with alanine.
Molecular consequence: missense variant.
Genome position (GRCh38, 1-based): chr4:54,725,867, T>G. VCF-style: chr4-54725867-T-G. GRCh37 (hg19) VCF-style: chr4-55592033-T-G.
Other names: c.1357T>G, p.Ser453Ala (NM_001093772.2, NM_001385285.1, NM_001385286.1); c.1360T>G, p.Ser454Ala (NM_001385284.1, NM_001385288.1, NM_001385290.1 and 1 more transcripts); short protein forms S453A, S454A.
Identifiers: ClinVar variation 840297 (VCV000840297.10), dbSNP rs1722183922, ClinGen allele CA356906229.

ClinVar aggregate classification (germline): Uncertain significance (1 of 4 stars; one submission).

Conditions:
Gastrointestinal stromal tumor. Also called: Gastrointestinal stromal tumor, somatic; Gastrointestinal stroma tumor. Identifiers: Orphanet 44890, MedGen C0238198, MeSH D046152, MONDO:0011719, OMIM 606764, HP:0100723.

Submission:

Labcorp Genetics (formerly Invitae), Labcorp
Classification: Uncertain significance for Gastrointestinal stromal tumor. Last evaluated: 2019-05-08. Review status: criteria provided, single submitter. Criteria: Invitae Variant Classification Sherloc (09022015). Collection method: clinical testing. Allele origin: germline.
Comment: This variant has not been reported in the literature in individuals with KIT-related conditions. This sequence change replaces serine with alanine at codon 453 of the KIT protein (p.Ser453Ala). The serine residue is weakly conserved and there is a moderate physicochemical difference between serine and alanine. This variant is not present in population databases (ExAC no frequency). Algorithms developed to predict the effect of missense changes on protein structure and function (SIFT, PolyPhen-2, Align-GVGD) all suggest that this variant is likely to be tolerated, but these predictions have not been confirmed by published functional studies and their clinical significance is uncertain. In summary, the available evidence is currently insufficient to determine the role of this variant in disease. Therefore, it has been classified as a Variant of Uncertain Significance.